The following is an entry in ClinVar:

NM_002539.3(ODC1):c.773C>T (p.Ala258Val)

Gene: ODC1 (ornithine decarboxylase 1; minus strand). Cytogenetic location: 2p25.1.
Variant type: single nucleotide variant.
Coding change: c.773C>T on transcript NM_002539.3 (MANE Select); coding-DNA position 773, C replaced by T.
Protein change: p.Ala258Val; replaces alanine 258 with valine.
Molecular consequence: missense variant.
Genome position (GRCh38, 1-based): chr2:10,442,152, G>A on the plus strand (C>T on the coding strand, the complement: ODC1 is on the minus strand). VCF-style: chr2-10442152-G-A. GRCh37 (hg19) VCF-style: chr2-10582278-G-A.
Other names: c.386C>T, p.Ala129Val (NM_001287188.2); c.773C>T, p.Ala258Val (NM_001287189.2, NM_001287190.2); c.773C>T (NM_002539.1); short protein forms A129V, A258V.
Identifiers: ClinVar variation 2650673 (VCV002650673.25), dbSNP rs375952999, ClinGen allele CA1526870.

ClinVar aggregate classification (germline): Likely benign. Review status: criteria provided, multiple submitters, no conflicts (2 of 4 stars). 2 submissions from 2 submitters: Likely benign (2). Last evaluated 2024-08-01.

Conditions:
Inborn genetic diseases. Identifiers: MedGen C0950123, MeSH D030342.

Allele frequency attached by ClinVar (database versions not stated): gnomAD 0.00003; ExAC 0.00004; TOPMed 0.00004; gnomAD exomes 0.00005; ESP Exome Variant Server 0.00008.
gnomAD v4.1: 72 of 1,608,240 alleles (0.0045%); highest among the groups gnomAD compares: Middle Eastern, 0.017%; no homozygotes.

Submissions (2):

CeGaT Center for Human Genetics Tuebingen
Classification: Likely benign. Last evaluated: 2024-08-01. Review status: criteria provided, single submitter. Criteria: CeGaT Center For Human Genetics Tuebingen Variant Classification Criteria Version 2. Collection method: clinical testing. Allele origin: germline. Affected: yes. Observed: 2 variant alleles.
Comment: ODC1: BS2

Ambry Genetics
Classification: Likely benign for Inborn genetic diseases. Last evaluated: 2024-03-25. Review status: criteria provided, single submitter. Criteria: Ambry Variant Classification Scheme 2023. Collection method: clinical testing. Allele origin: germline.